The following is an entry in ClinVar:

ClinVar aggregate classification (germline): Benign (0 of 4 stars; one submission).

Conditions:
GPKOW-related disorder. Also called: GPKOW-related condition.

Allele frequency attached by ClinVar (database versions not stated): 1000 Genomes Project 30x 0.00666; 1000 Genomes Project 0.00715; TOPMed 0.01931; gnomAD 0.02060; ExAC 0.02198; ESP Exome Variant Server 0.02442.
gnomAD v4.1: 35,404 of 1,205,585 alleles (2.9%); highest among the groups gnomAD compares: Non-Finnish European, 3.5%; 432 homozygotes.

Submission:

PreventionGenetics, part of Exact Sciences
Classification: Benign for GPKOW-related condition. Last evaluated: 2019-12-03. Review status: no assertion criteria provided. Collection method: clinical testing. Allele origin: germline.
Comment: This variant is classified as benign based on ACMG/AMP sequence variant interpretation guidelines (Richards et al. 2015 PMID: 25741868, with internal and published modifications).

NM_015698.6(GPKOW):c.1297-4C>T

Gene: GPKOW (G-patch domain and KOW motifs; minus strand). Cytogenetic location: Xp11.23.
Variant type: single nucleotide variant.
Coding change: c.1297-4C>T on transcript NM_015698.6 (MANE Select); 4 bases into the intron before coding-DNA position 1297, C replaced by T.
Molecular consequence: intron variant.
Genome position (GRCh38, 1-based): chrX:49,113,759, G>A on the plus strand (C>T on the coding strand, the complement: GPKOW is on the minus strand). VCF-style: chrX-49113759-G-A. GRCh37 (hg19) VCF-style: chrX-48970697-G-A.
Identifiers: ClinVar variation 3056587 (VCV003056587.2), dbSNP rs149060491, ClinGen allele CA10408673.